The following is an entry in ClinVar:

NM_021098.3(CACNA1H):c.6676A>G (p.Thr2226Ala)

Gene: CACNA1H (calcium voltage-gated channel subunit alpha1 H; plus strand). Cytogenetic location: 16p13.3.
Variant type: single nucleotide variant.
Coding change: c.6676A>G on transcript NM_021098.3 (MANE Select); coding-DNA position 6676, A replaced by G.
Protein change: p.Thr2226Ala; replaces threonine 2226 with alanine.
Molecular consequence: missense variant.
Genome position (GRCh38, 1-based): chr16:1,220,608, A>G. VCF-style: chr16-1220608-A-G. GRCh37 (hg19) VCF-style: chr16-1270608-A-G.
Other names: c.6658A>G, p.Thr2220Ala (NM_001005407.2); short protein forms T2220A, T2226A.
Identifiers: ClinVar variation 3339882 (VCV003339882.1).

ClinVar aggregate classification (germline): Uncertain significance (1 of 4 stars; one submission).

Submission:

Women's Health and Genetics/Laboratory Corporation of America, LabCorp
Classification: Uncertain significance. Last evaluated: 2024-06-21. Review status: criteria provided, single submitter. Criteria: LabCorp Variant Classification Summary - May 2015. Collection method: clinical testing. Allele origin: germline.
Comment: Variant summary: CACNA1H c.6676A>G (p.Thr2226Ala) results in a non-conservative amino acid change in the encoded protein sequence. Four of five in-silico tools predict a benign effect of the variant on protein function. The variant allele was found at a frequency of 5.2e-06 in 193556 control chromosomes. The available data on variant occurrences in the general population are insufficient to allow any conclusion about variant significance. To our knowledge, no occurrence of c.6676A>G in individuals affected with Idiopathic Generalized Epilepsy and no experimental evidence demonstrating its impact on protein function have been reported. No submitters have cited clinical-significance assessments for this variant to ClinVar. Based on the evidence outlined above, the variant was classified as uncertain significance.